The following is an entry in ClinVar:

ClinVar aggregate classification (germline): Likely pathogenic (1 of 4 stars; one submission).

Conditions:
Autosomal recessive Alport syndrome (ATS2). Also called: COL4A4 Alport Syndrome and Thin Basement Membrane Nephropathy; ALPORT SYNDROME 2, AUTOSOMAL RECESSIVE; Alport syndrome type 2; COL4A3-Related Nephropathy. Identifiers: Orphanet 63, Orphanet 88919, MedGen C4746745, MONDO:0008762, OMIM 203780.

gnomAD v4.1: 1 of 1,614,152 alleles (0.000062%); highest among the groups gnomAD compares: Non-Finnish European, 0.000085%; no homozygotes.

Submission:

MVZ Medizinische Genetik Mainz
Classification: Likely pathogenic for Autosomal recessive Alport syndrome. Last evaluated: 2022-07-18. Review status: criteria provided, single submitter. Criteria: UK Practice Guidelines For Variant Classification V4 01 2020. Collection method: clinical testing. Allele origin: germline. Inheritance: Autosomal dominant inheritance. Affected: yes. Observed: 1 variant allele.
Comment: ACMG Criteria: PM1_STR,PM2_SUP,PP3,PP4

NM_000092.5(COL4A4):c.1759G>T (p.Gly587Cys)

Gene: COL4A4 (collagen type IV alpha 4 chain; minus strand). Cytogenetic location: 2q36.3.
Variant type: single nucleotide variant.
Coding change: c.1759G>T on transcript NM_000092.5 (MANE Select); coding-DNA position 1759, G replaced by T.
Protein change: p.Gly587Cys; replaces glycine 587 with cysteine.
Molecular consequence: missense variant.
Genome position (GRCh38, 1-based): chr2:227,080,487, C>A on the plus strand (G>T on the coding strand, the complement: COL4A4 is on the minus strand). VCF-style: chr2-227080487-C-A. GRCh37 (hg19) VCF-style: chr2-227945203-C-A.
Other names: short protein forms G587C.
Identifiers: ClinVar variation 3235195 (VCV003235195.1), dbSNP rs764242946.